The following is an entry in ClinVar:

ClinVar aggregate classification (germline): Benign/Likely benign. Review status: criteria provided, multiple submitters, no conflicts (2 of 4 stars). 3 submissions from 3 submitters: Benign (2); Likely benign (1). Last evaluated 2026-01-24.

Conditions:
Pitt-Hopkins syndrome (PTHS). Also called: ENCEPHALOPATHY, SEVERE EPILEPTIC, WITH AUTONOMIC DYSFUNCTION; MENTAL RETARDATION, SYNDROMAL, WITH INTERMITTENT HYPERVENTILATION. Identifiers: Orphanet 2896, MedGen C1970431, MONDO:0012589, OMIM 610954.

Allele frequency attached by ClinVar (database versions not stated): gnomAD 0.00002 and 0.00037; TOPMed 0.00009; gnomAD exomes 0.00061 and 0.00135; ExAC 0.00158; 1000 Genomes Project 30x 0.00219; 1000 Genomes Project 0.00260.
gnomAD v4.1: 979 of 1,613,286 alleles (0.061%); highest among the groups gnomAD compares: South Asian, 0.98%; 20 homozygotes.

Submissions (3):

Labcorp Genetics (formerly Invitae), Labcorp
Classification: Benign for Pitt-Hopkins syndrome. Last evaluated: 2026-01-24. Review status: criteria provided, single submitter. Criteria: Invitae Variant Classification Sherloc (09022015). Collection method: clinical testing. Allele origin: germline.

CeGaT Center for Human Genetics Tuebingen
Classification: Likely benign. Last evaluated: 2025-04-01. Review status: criteria provided, single submitter. Criteria: CeGaT Center For Human Genetics Tuebingen Variant Classification Criteria Version 2. Collection method: clinical testing. Allele origin: germline. Affected: yes. Observed: 3 variant alleles.
Comment: TCF4: BS2

GeneDx
Classification: Benign. Last evaluated: 2013-05-03. Review status: criteria provided, single submitter. Criteria: GeneDx Variant Classification (06012015). Collection method: clinical testing. Allele origin: germline. Affected: yes.
Comment: This variant is considered likely benign or benign based on one or more of the following criteria: it is a conservative change, it occurs at a poorly conserved position in the protein, it is predicted to be benign by multiple in silico algorithms, and/or has population frequency not consistent with disease.

NM_001083962.2(TCF4):c.1650-14C>T

Gene: TCF4 (transcription factor 4; minus strand). Cytogenetic location: 18q21.2.
Variant type: single nucleotide variant.
Coding change: c.1650-14C>T on transcript NM_001083962.2 (MANE Select); 14 bases into the intron before coding-DNA position 1650, C replaced by T.
Molecular consequence: intron variant.
Genome position (GRCh38, 1-based): chr18:55,229,090, G>A on the plus strand (C>T on the coding strand, the complement: TCF4 is on the minus strand). VCF-style: chr18-55229090-G-A. GRCh37 (hg19) VCF-style: chr18-52896321-G-A.
Other names: c.1956-14C>T (NM_001243226.3); c.1563-14C>T (NM_001369584.1, NM_001369585.1, NM_001348220.1); c.1575-14C>T (NM_001369576.1, NM_001369577.1, NM_001369578.1 and 3 more transcripts); c.1566-14C>T (NM_001369582.1, NM_001369583.1, NM_001348219.2 and 1 more transcripts); c.1578-14C>T (NM_001243227.2, NM_001369575.1, NM_001348218.2 and 1 more transcripts); c.1581-14C>T (NM_001369586.1); c.1638-14C>T (NM_001369571.1, NM_001369572.1, NM_003199.3); c.1650-14C>T (NM_001369567.1, NM_001369568.1); and 14 more.
Identifiers: ClinVar variation 139410 (VCV000139410.32), dbSNP rs569480730, ClinGen allele CA293889.